The following is an entry in ClinVar:

NM_014989.7(RIMS1):c.2515C>A (p.Gln839Lys)

Gene: RIMS1 (regulating synaptic membrane exocytosis 1; plus strand). Cytogenetic location: 6q13.
Variant type: single nucleotide variant.
Coding change: c.2515C>A on transcript NM_014989.7 (MANE Select); coding-DNA position 2515, C replaced by A.
Protein change: p.Gln839Lys; replaces glutamine 839 with lysine.
Molecular consequence: missense variant.
Genome position (GRCh38, 1-based): chr6:72,251,063, C>A. VCF-style: chr6-72251063-C-A. GRCh37 (hg19) VCF-style: chr6-72960766-C-A.
Other names: c.2515C>A (NM_014989.4); c.937C>A, p.Gln313Lys (NM_001168407.2, NM_001168408.2, NM_001350414.2 and 37 more transcripts); c.694C>A, p.Gln232Lys (NM_001168409.2, NM_001350461.2, NM_001350463.2 and 6 more transcripts); c.892C>A, p.Gln298Lys (NM_001168410.2, NM_001350470.2, NM_001350472.2 and 2 more transcripts); c.868C>A, p.Gln290Lys (NM_001350421.2, NM_001350424.2, NM_001350428.2 and 6 more transcripts); short protein forms Q232K, Q290K, Q313K, Q839K, Q298K.
Identifiers: ClinVar variation 3015032 (VCV003015032.4), dbSNP rs765980473, ClinGen allele CA3885971.

ClinVar aggregate classification (germline): Uncertain significance. Review status: criteria provided, multiple submitters, no conflicts (2 of 4 stars). 2 submissions from 2 submitters: Uncertain significance (2). Last evaluated 2026-01-07.

Allele frequency attached by ClinVar (database versions not stated): gnomAD exomes 0.00001; ExAC 0.00006; TOPMed 0.00002; gnomAD 0.00001.
gnomAD v4.1: 16 of 1,585,972 alleles (0.001%); highest among the groups gnomAD compares: Non-Finnish European, 0.0012%; no homozygotes.

Submissions (2):

Labcorp Genetics (formerly Invitae), Labcorp
Classification: Uncertain significance. Last evaluated: 2026-01-07. Review status: criteria provided, single submitter. Criteria: Invitae Variant Classification Sherloc (09022015). Collection method: clinical testing. Allele origin: germline.
Comment: This sequence change replaces glutamine, which is neutral and polar, with lysine, which is basic and polar, at codon 839 of the RIMS1 protein (p.Gln839Lys). The frequency data for this variant in the population databases is considered unreliable, as metrics indicate poor data quality at this position in the gnomAD database. This variant has not been reported in the literature in individuals affected with RIMS1-related conditions. ClinVar contains an entry for this variant (Variation ID: 3015032). An algorithm developed to predict the effect of missense changes on protein structure and function (PolyPhen-2) suggests that this variant is likely to be disruptive. In summary, the available evidence is currently insufficient to determine the role of this variant in disease. Therefore, it has been classified as a Variant of Uncertain Significance.

Ambry Genetics
Classification: Uncertain significance. Last evaluated: 2024-04-12. Review status: criteria provided, single submitter. Criteria: Ambry Variant Classification Scheme 2023. Collection method: clinical testing. Allele origin: germline.